The following is an entry in ClinVar:

NM_003070.5(SMARCA2):c.982A>C (p.Ile328Leu)

Gene: SMARCA2 (SWI/SNF related BAF chromatin remodeling complex subunit ATPase 2; plus strand). Cytogenetic location: 9p24.3.
Variant type: single nucleotide variant.
Coding change: c.982A>C on transcript NM_003070.5 (MANE Select); coding-DNA position 982, A replaced by C.
Protein change: p.Ile328Leu; replaces isoleucine 328 with leucine.
Molecular consequence: missense variant.
Genome position (GRCh38, 1-based): chr9:2,047,420, A>C. VCF-style: chr9-2047420-A-C. GRCh37 (hg19) VCF-style: chr9-2047420-A-C.
Other names: c.982A>C, p.Ile328Leu (NM_001289396.2, NM_001289397.2, NM_139045.4); short protein forms I328L.
Identifiers: ClinVar variation 1925548 (VCV001925548.5), dbSNP rs763586101, ClinGen allele CA4963029.

ClinVar aggregate classification (germline): Uncertain significance (1 of 4 stars; one submission).

Allele frequency attached by ClinVar (database versions not stated): TOPMed below 0.00001; ExAC 0.00002; gnomAD exomes 0.00002.
gnomAD v4.1: 27 of 1,588,940 alleles (0.0017%); highest among the groups gnomAD compares: East Asian, 0.0024%; no homozygotes.

Submission:

Labcorp Genetics (formerly Invitae), Labcorp
Classification: Uncertain significance. Last evaluated: 2024-08-06. Review status: criteria provided, single submitter. Criteria: Invitae Variant Classification Sherloc (09022015). Collection method: clinical testing. Allele origin: germline.
Comment: This sequence change replaces isoleucine, which is neutral and non-polar, with leucine, which is neutral and non-polar, at codon 328 of the SMARCA2 protein (p.Ile328Leu). This variant is present in population databases (rs763586101, gnomAD 0.007%). This variant has not been reported in the literature in individuals affected with SMARCA2-related conditions. ClinVar contains an entry for this variant (Variation ID: 1925548). Advanced modeling of protein sequence and biophysical properties (such as structural, functional, and spatial information, amino acid conservation, physicochemical variation, residue mobility, and thermodynamic stability) performed at Invitae indicates that this missense variant is not expected to disrupt SMARCA2 protein function with a negative predictive value of 80%. In summary, the available evidence is currently insufficient to determine the role of this variant in disease. Therefore, it has been classified as a Variant of Uncertain Significance.